The following is an entry in ClinVar:

NM_001035.3(RYR2):c.8993A>G (p.Asn2998Ser)

Gene: RYR2 (ryanodine receptor 2; plus strand). Cytogenetic location: 1q43.
Variant type: single nucleotide variant.
Coding change: c.8993A>G on transcript NM_001035.3 (MANE Select); coding-DNA position 8993, A replaced by G.
Protein change: p.Asn2998Ser; replaces asparagine 2998 with serine.
Molecular consequence: missense variant.
Genome position (GRCh38, 1-based): chr1:237,680,553, A>G. VCF-style: chr1-237680553-A-G. GRCh37 (hg19) VCF-style: chr1-237843853-A-G.
Other names: short protein forms N2998S.
Identifiers: ClinVar variation 1434803 (VCV001434803.9), dbSNP rs1243409978, ClinGen allele CA345404566.

ClinVar aggregate classification (germline): Uncertain significance. Review status: criteria provided, multiple submitters, no conflicts (2 of 4 stars). 2 submissions from 2 submitters: Uncertain significance (2). Last evaluated 2024-03-06.

Conditions:
Catecholaminergic polymorphic ventricular tachycardia 1. Also called: VENTRICULAR TACHYCARDIA, CATECHOLAMINERGIC POLYMORPHIC, 1, WITH OR WITHOUT ATRIAL DYSFUNCTION AND/OR DILATED CARDIOMYOPATHY; RYR2-Related Catecholaminergic Polymorphic Ventricular Tachycardia; VENTRICULAR TACHYCARDIA, STRESS-INDUCED POLYMORPHIC 1. Identifiers: Orphanet 3286, MedGen C1631597, MONDO:0011484, OMIM 604772.
Cardiomyopathy (CMYO). Also called: Cardiomyopathies. Identifiers: Orphanet 167848, MedGen C0878544, MONDO:0004994, HP:0001638. Inheritance: Various modes of inheritance.

Allele frequency attached by ClinVar (database versions not stated): TOPMed below 0.00001; gnomAD 0.00001; gnomAD exomes 0.00002.
gnomAD v4.1: 32 of 1,604,882 alleles (0.002%); highest among the groups gnomAD compares: Non-Finnish European, 0.0026%; no homozygotes.

Submissions (2):

Color Diagnostics, LLC DBA Color Health
Classification: Uncertain significance for Cardiomyopathy. Last evaluated: 2024-03-06. Review status: criteria provided, single submitter. Criteria: ACMG Guidelines, 2015. Collection method: clinical testing. Allele origin: germline.
Comment: This missense variant replaces asparagine with serine at codon 2998 of the RYR2 protein. Computational prediction is inconclusive regarding the impact of this variant on protein structure and function (internally defined REVEL score threshold 0.5 < inconclusive < 0.7, PMID: 27666373). To our knowledge, functional studies have not been reported for this variant. This variant has not been reported in individuals affected with cardiovascular disorders in the literature. This variant has not been identified in the general population by the Genome Aggregation Database (gnomAD). The available evidence is insufficient to determine the role of this variant in disease conclusively. Therefore, this variant is classified as a Variant of Uncertain Significance.

Labcorp Genetics (formerly Invitae), Labcorp
Classification: Uncertain significance for Catecholaminergic polymorphic ventricular tachycardia 1. Last evaluated: 2021-11-27. Review status: criteria provided, single submitter. Criteria: Invitae Variant Classification Sherloc (09022015). Collection method: clinical testing. Allele origin: germline.
Comment: Advanced modeling of protein sequence and biophysical properties (such as structural, functional, and spatial information, amino acid conservation, physicochemical variation, residue mobility, and thermodynamic stability) performed at Invitae indicates that this missense variant is expected to disrupt RYR2 protein function. This variant has not been reported in the literature in individuals affected with RYR2-related conditions. This variant is not present in population databases (gnomAD no frequency). This sequence change replaces asparagine, which is neutral and polar, with serine, which is neutral and polar, at codon 2998 of the RYR2 protein (p.Asn2998Ser). In summary, the available evidence is currently insufficient to determine the role of this variant in disease. Therefore, it has been classified as a Variant of Uncertain Significance.